The following is an entry in ClinVar:

ClinVar aggregate classification (germline): Uncertain significance (1 of 4 stars; one submission).

Conditions:
Marfan syndrome (MFS). Also called: MARFAN SYNDROME, TYPE I; Marfan syndrome type 1; Marfan's syndrome; Marfan syndrome, classic; FBN1-Related Marfan Syndrome. Identifiers: Orphanet 284963, Orphanet 558, MedGen C0024796, MONDO:0007947, OMIM 154700.

Submission:

All of Us Research Program, National Institutes of Health
Classification: Uncertain significance for Marfan syndrome. Last evaluated: 2023-03-09. Review status: criteria provided, single submitter. Criteria: ACMG Guidelines, 2015. Collection method: clinical testing. Allele origin: germline. Inheritance: Autosomal dominant inheritance. Observed: 1 variant allele, 1 heterozygote.
Comment: This missense variant replaces threonine with alanine at codon 870 of the FBN1 protein. Computational prediction suggests that this variant may have deleterious impact on protein structure and function (internally defined REVEL score threshold >= 0.7, PMID: 27666373). To our knowledge, functional studies have not been reported for this variant. This variant has not been reported in individuals affected with FBN1-related disorders in the literature. This variant has not been identified in the general population by the Genome Aggregation Database (gnomAD). The available evidence is insufficient to determine the role of this variant in disease conclusively. Therefore, this variant is classified as a Variant of Uncertain Significance.

This study involves interpretation of variants in research participants for the purpose of population health screening. Participant phenotype was not available at the time of variant classification. Additional details can be found in publication PMID: 35346344, PMCID: PMC8962531

NM_000138.5(FBN1):c.2608A>G (p.Thr870Ala)

Gene: FBN1 (fibrillin 1; minus strand). Cytogenetic location: 15q21.1.
Variant type: single nucleotide variant.
Coding change: c.2608A>G on transcript NM_000138.5 (MANE Select); coding-DNA position 2608, A replaced by G.
Protein change: p.Thr870Ala; replaces threonine 870 with alanine.
Molecular consequence: missense variant.
Genome position (GRCh38, 1-based): chr15:48,495,192, T>C on the plus strand (A>G on the coding strand, the complement: FBN1 is on the minus strand). VCF-style: chr15-48495192-T-C. GRCh37 (hg19) VCF-style: chr15-48787389-T-C.
Other names: c.2608A>G, p.Thr870Ala (NM_001406716.1); short protein forms T870A.
Identifiers: ClinVar variation 3069804 (VCV003069804.1), dbSNP rs2505570951, ClinGen allele CA392332503.